The following is an entry in ClinVar:

NM_014874.4(MFN2):c.809T>C (p.Met270Thr)

Gene: MFN2 (mitofusin 2; plus strand). Cytogenetic location: 1p36.22.
Variant type: single nucleotide variant.
Coding change: c.809T>C on transcript NM_014874.4 (MANE Select); coding-DNA position 809, T replaced by C.
Protein change: p.Met270Thr; replaces methionine 270 with threonine.
Molecular consequence: missense variant.
Genome position (GRCh38, 1-based): chr1:11,999,088, T>C. VCF-style: chr1-11999088-T-C. GRCh37 (hg19) VCF-style: chr1-12059145-T-C.
Other names: c.809T>C, p.Met270Thr (NM_001127660.2); short protein forms M270T.
Identifiers: ClinVar variation 246495 (VCV000246495.14), dbSNP rs771996573, ClinGen allele CA598921.

ClinVar aggregate classification (germline): Conflicting classifications of pathogenicity. Review status: criteria provided, conflicting classifications (1 of 4 stars). 4 submissions from 4 submitters: Likely pathogenic (1); Uncertain significance (2). 1 of the submissions does not count toward it. Last evaluated 2024-07-03.

Conditions:
Charcot-Marie-Tooth disease. Also called: Charcot-Marie-Tooth Neuropathy; Charcot-Marie-Tooth Hereditary Neuropathy. Identifiers: Orphanet 166, MedGen C0007959, MONDO:0015626.
Charcot-Marie-Tooth disease type 2. Also called: Charcot-Marie-Tooth type 2. Identifiers: Orphanet 64746, MedGen C0270914, MONDO:0018993.

Allele frequency attached by ClinVar (database versions not stated): gnomAD exomes below 0.00001 and 0.00002; TOPMed 0.00001; ExAC 0.00002.
gnomAD v4.1: 11 of 1,614,172 alleles (0.00068%); highest among the groups gnomAD compares: South Asian, 0.0055%; no homozygotes.

Submissions (4):

Blueprint Genetics
Classification: Uncertain significance. Last evaluated: 2024-07-03. Review status: criteria provided, single submitter. Criteria: ACMG Guidelines, 2015. Collection method: clinical testing. Allele origin: germline.

Labcorp Genetics (formerly Invitae), Labcorp
Classification: Likely pathogenic for Charcot-Marie-Tooth disease type 2. Last evaluated: 2023-06-30. Review status: criteria provided, single submitter. Criteria: Invitae Variant Classification Sherloc (09022015). Collection method: clinical testing. Allele origin: germline.
Comment: In summary, the currently available evidence indicates that the variant is pathogenic, but additional data are needed to prove that conclusively. Therefore, this variant has been classified as Likely Pathogenic. Advanced modeling of protein sequence and biophysical properties (such as structural, functional, and spatial information, amino acid conservation, physicochemical variation, residue mobility, and thermodynamic stability) performed at Invitae indicates that this missense variant is expected to disrupt MFN2 protein function. ClinVar contains an entry for this variant (Variation ID: 246495). This missense change has been observed in individual(s) with Charcot-Marie-Tooth disease (PMID: 33415332). It has also been observed to segregate with disease in related individuals. This variant is present in population databases (rs771996573, gnomAD 0.01%). This sequence change replaces methionine, which is neutral and non-polar, with threonine, which is neutral and polar, at codon 270 of the MFN2 protein (p.Met270Thr).

GeneDx
Classification: Uncertain significance. Last evaluated: 2017-12-14. Review status: criteria provided, single submitter. Criteria: GeneDx Variant Classification (06012015). Collection method: clinical testing. Allele origin: germline. Affected: yes.
Comment: The M270T variant was previously identified in an individual with Charcot-Marie-Tooth disease type 2; however, two other MFN2 variants were also identified in this individual (Antoniadi et al., 2015). The M270T variant was not observed in approximately 6,500 individuals of European and African American ancestry in the NHLBI Exome Sequencing Project, indicating it is not a common benign variant in these populations. The M270T variant is a non-conservative amino acid substitution, which is likely to impact secondary protein structure as these residues differ in polarity, charge, size, and/or other properties. This substitution occurs at a conserved position predicted to be within the GTPase domain of the MFN2 protein (Choi et al., 2015). Missense variants in nearby residues (V273G, R274Q) have been reported in the Human Gene Mutation Database in association with Charcot-Marie-Tooth disease type 2A (Stenson et al., 2014). In silico analysis is inconsistent in its predictions as to whether or not the variant is damaging to the protein structure/function. Therefore, based on the currently available information, it is unclear whether this variant is a pathogenic variant or a rare benign variant.

Inherited Neuropathy Consortium
Classification: Likely benign for Charcot-Marie-Tooth disease. Review status: no assertion criteria provided. Collection method: research. Allele origin: inherited. Affected: yes. Not counted in ClinVar's aggregate classification.

Literature cited by the submitters: PubMed 33415332 (cited by Labcorp Genetics (formerly Invitae), Labcorp).